The following is an entry in ClinVar:

ClinVar aggregate classification (germline): Uncertain significance. Review status: criteria provided, multiple submitters, no conflicts (2 of 4 stars). 3 submissions from 3 submitters: Uncertain significance (3). Last evaluated 2024-11-27.

Conditions:
Hereditary cancer-predisposing syndrome. Also called: Neoplastic Syndromes, Hereditary; Tumor predisposition; Hereditary neoplastic syndrome; Hereditary Cancer Syndrome. Identifiers: Orphanet 140162, MedGen C0027672, MeSH D009386, MONDO:0015356.

Submissions (3):

Labcorp Genetics (formerly Invitae), Labcorp
Classification: Uncertain significance. Last evaluated: 2024-11-27. Review status: criteria provided, single submitter. Criteria: Invitae Variant Classification Sherloc (09022015). Collection method: clinical testing. Allele origin: germline.
Comment: This sequence change replaces cysteine, which is neutral and slightly polar, with tyrosine, which is neutral and polar, at codon 2010 of the POLE protein (p.Cys2010Tyr). This variant is not present in population databases (gnomAD no frequency). This variant has not been reported in the literature in individuals affected with POLE-related conditions. ClinVar contains an entry for this variant (Variation ID: 580777). Invitae Evidence Modeling of protein sequence and biophysical properties (such as structural, functional, and spatial information, amino acid conservation, physicochemical variation, residue mobility, and thermodynamic stability) indicates that this missense variant is not expected to disrupt POLE protein function with a negative predictive value of 80%. In summary, the available evidence is currently insufficient to determine the role of this variant in disease. Therefore, it has been classified as a Variant of Uncertain Significance.

GeneDx
Classification: Uncertain significance. Last evaluated: 2022-12-16. Review status: criteria provided, single submitter. Criteria: GeneDx Variant Classification Process June 2021. Collection method: clinical testing. Allele origin: germline. Affected: yes.
Comment: Not observed at significant frequency in large population cohorts (gnomAD); In silico analysis supports that this missense variant does not alter protein structure/function; Has not been previously published as pathogenic or benign to our knowledge

Ambry Genetics
Classification: Uncertain significance for Hereditary cancer-predisposing syndrome. Last evaluated: 2022-12-03. Review status: criteria provided, single submitter. Criteria: Ambry Variant Classification Scheme 2023. Collection method: clinical testing. Allele origin: germline.
Comment: The p.C2010Y variant (also known as c.6029G>A), located in coding exon 44 of the POLE gene, results from a G to A substitution at nucleotide position 6029. The cysteine at codon 2010 is replaced by tyrosine, an amino acid with highly dissimilar properties. This amino acid position is conserved. In addition, this alteration is predicted to be tolerated by in silico analysis. Since supporting evidence is limited at this time, the clinical significance of this alteration remains unclear.

NM_006231.4(POLE):c.6029G>A (p.Cys2010Tyr)

Gene: POLE (DNA polymerase epsilon, catalytic subunit; minus strand). Cytogenetic location: 12q24.33.
Variant type: single nucleotide variant.
Coding change: c.6029G>A on transcript NM_006231.4 (MANE Select); coding-DNA position 6029, G replaced by A.
Protein change: p.Cys2010Tyr; replaces cysteine 2010 with tyrosine.
Molecular consequence: missense variant.
Genome position (GRCh38, 1-based): chr12:132,632,771, C>T on the plus strand (G>A on the coding strand, the complement: POLE is on the minus strand). VCF-style: chr12-132632771-C-T. GRCh37 (hg19) VCF-style: chr12-133209357-C-T.
Other names: c.6029G>A (NM_006231.2); short protein forms C2010Y.
Identifiers: ClinVar variation 580777 (VCV000580777.10), dbSNP rs1471000462, ClinGen allele CA387370844.